The following is an entry in ClinVar:

ClinVar aggregate classification (germline): Uncertain significance. Review status: criteria provided, multiple submitters, no conflicts (2 of 4 stars). 2 submissions from 2 submitters: Uncertain significance (2). Last evaluated 2025-05-27.

Conditions:
Baller-Gerold syndrome (BGS). Also called: CRANIOSYNOSTOSIS WITH RADIAL DEFECTS. Identifiers: Orphanet 1225, MedGen C0265308, MONDO:0009039, OMIM 218600.
Inborn genetic diseases. Identifiers: MedGen C0950123, MeSH D030342.

Submissions (2):

Ambry Genetics
Classification: Uncertain significance for Inborn genetic diseases. Last evaluated: 2025-05-27. Review status: criteria provided, single submitter. Criteria: Ambry Variant Classification Scheme 2023. Collection method: clinical testing. Allele origin: germline.
Comment: The p.P953L variant (also known as c.2858C>T), located in coding exon 16 of the RECQL4 gene, results from a C to T substitution at nucleotide position 2858. The proline at codon 953 is replaced by leucine, an amino acid with similar properties. This amino acid position is conserved. In addition, this alteration is predicted to be tolerated by in silico analysis. Based on the available evidence, the clinical significance of this variant remains unclear.

Labcorp Genetics (formerly Invitae), Labcorp
Classification: Uncertain significance for Baller-Gerold syndrome. Last evaluated: 2025-03-24. Review status: criteria provided, single submitter. Criteria: Invitae Variant Classification Sherloc (09022015). Collection method: clinical testing. Allele origin: germline.
Comment: This sequence change replaces proline, which is neutral and non-polar, with leucine, which is neutral and non-polar, at codon 953 of the RECQL4 protein (p.Pro953Leu). This variant is not present in population databases (gnomAD no frequency). This variant has not been reported in the literature in individuals affected with RECQL4-related conditions. ClinVar contains an entry for this variant (Variation ID: 1715766). Invitae Evidence Modeling of protein sequence and biophysical properties (such as structural, functional, and spatial information, amino acid conservation, physicochemical variation, residue mobility, and thermodynamic stability) indicates that this missense variant is not expected to disrupt RECQL4 protein function with a negative predictive value of 80%. In summary, the available evidence is currently insufficient to determine the role of this variant in disease. Therefore, it has been classified as a Variant of Uncertain Significance.

NM_004260.4(RECQL4):c.2858C>T (p.Pro953Leu)

Gene: RECQL4 (RecQ like helicase 4; minus strand). Cytogenetic location: 8q24.3.
Variant type: single nucleotide variant.
Coding change: c.2858C>T on transcript NM_004260.4 (MANE Select); coding-DNA position 2858, C replaced by T.
Protein change: p.Pro953Leu; replaces proline 953 with leucine.
Molecular consequence: missense variant.
Genome position (GRCh38, 1-based): chr8:144,512,669, G>A on the plus strand (C>T on the coding strand, the complement: RECQL4 is on the minus strand). VCF-style: chr8-144512669-G-A. GRCh37 (hg19) VCF-style: chr8-145738052-G-A.
Other names: c.2726C>T, p.Pro909Leu (NM_001413033.1); c.1787C>T, p.Pro596Leu (NM_001413034.1, NM_001413035.1, NM_001413040.1 and 4 more transcripts); c.2858C>T, p.Pro953Leu (NM_001413036.1); c.1655C>T, p.Pro552Leu (NM_001413037.1); c.1589C>T, p.Pro530Leu (NM_001413038.1, NM_001413031.1); c.2828C>T, p.Pro943Leu (NM_001413039.1); c.1796C>T, p.Pro599Leu (NM_001413041.1); c.2564C>T, p.Pro855Leu (NM_001413017.1); and 10 more; short protein forms P464L, P530L, P552L, P574L, P586L, P596L, P599L, P621L.
Identifiers: ClinVar variation 1715766 (VCV001715766.6), dbSNP rs770474816, ClinGen allele CA372673972.